The following is an entry in ClinVar:

NM_000179.3(MSH6):c.1602C>A (p.Asn534Lys)

Gene: MSH6 (mutS homolog 6; plus strand). Cytogenetic location: 2p16.3.
Variant type: single nucleotide variant.
Coding change: c.1602C>A on transcript NM_000179.3 (MANE Select); coding-DNA position 1602, C replaced by A.
Protein change: p.Asn534Lys; replaces asparagine 534 with lysine.
Molecular consequence: missense variant.
Genome position (GRCh38, 1-based): chr2:47,799,585, C>A. VCF-style: chr2-47799585-C-A. GRCh37 (hg19) VCF-style: chr2-48026724-C-A.
Other names: c.1212C>A, p.Asn404Lys (NM_001281492.2); c.696C>A, p.Asn232Lys (NM_001281493.2, NM_001281494.2); short protein forms N232K, N404K, N534K.
Identifiers: ClinVar variation 819647 (VCV000819647.14), dbSNP rs763712971, ClinGen allele CA346746964.
Genomic context (GRCh38, chr2:47,799,585, plus strand): 5'-TAGGATCATTACCAAGGGTACACAGACTTACAGTGTGCTGGAAGGTGATCCCTCTGAGAA[C>A]TACAGTAAGTATCTTCTTAGCCTCAAAGAAAAAGAGGAAGATTCTTCTGGCCATACTCGT-3'
Protein context (NP_000170.1, residues 524-544): YSVLEGDPSE[Asn534Lys]YSKYLLSLKE

ClinVar aggregate classification (germline): Conflicting classifications of pathogenicity. Review status: criteria provided, conflicting classifications (1 of 4 stars). 3 submissions from 3 submitters: Uncertain significance (2); Likely benign (1). Last evaluated 2024-05-15.

Conditions:
Hereditary nonpolyposis colorectal neoplasms. Identifiers: MedGen C0009405, MeSH D003123.
Hereditary cancer-predisposing syndrome. Also called: Neoplastic Syndromes, Hereditary; Tumor predisposition; Hereditary Cancer Syndrome; Hereditary neoplastic syndrome. Identifiers: Orphanet 140162, MedGen C0027672, MeSH D009386, MONDO:0015356.

gnomAD v4.1: 1 of 1,614,170 alleles (0.000062%); highest among the groups gnomAD compares: Non-Finnish European, 0.000085%; no homozygotes.

Submissions (3):

Ambry Genetics
Classification: Likely benign for Hereditary cancer-predisposing syndrome. Last evaluated: 2024-05-15. Review status: criteria provided, single submitter. Criteria: Ambry Variant Classification Scheme 2023. Collection method: clinical testing. Allele origin: germline.

GeneDx
Classification: Uncertain significance. Last evaluated: 2023-02-27. Review status: criteria provided, single submitter. Criteria: GeneDx Variant Classification Process June 2021. Collection method: clinical testing. Allele origin: germline. Affected: yes.
Comment: Not observed at significant frequency in large population cohorts (gnomAD); In silico analysis supports that this missense variant does not alter protein structure/function; Has not been previously published as pathogenic or benign to our knowledge; This variant is associated with the following publications: (PMID: 30787465, 17531815, 21120944, 33558524)

Labcorp Genetics (formerly Invitae), Labcorp
Classification: Uncertain significance for Hereditary nonpolyposis colorectal neoplasms. Last evaluated: 2022-05-15. Review status: criteria provided, single submitter. Criteria: Invitae Variant Classification Sherloc (09022015). Collection method: clinical testing. Allele origin: germline.
Comment: Advanced modeling of protein sequence and biophysical properties (such as structural, functional, and spatial information, amino acid conservation, physicochemical variation, residue mobility, and thermodynamic stability) performed at Invitae indicates that this missense variant is not expected to disrupt MSH6 protein function. In summary, the available evidence is currently insufficient to determine the role of this variant in disease. Therefore, it has been classified as a Variant of Uncertain Significance. ClinVar contains an entry for this variant (Variation ID: 819647). This variant has not been reported in the literature in individuals affected with MSH6-related conditions. This variant is not present in population databases (gnomAD no frequency). This sequence change replaces asparagine, which is neutral and polar, with lysine, which is basic and polar, at codon 534 of the MSH6 protein (p.Asn534Lys).